The following is an entry in ClinVar:

NM_001041.4(SI):c.556T>C (p.Ser186Pro)

Gene: SI (sucrase-isomaltase; minus strand). Cytogenetic location: 3q26.1.
Variant type: single nucleotide variant.
Coding change: c.556T>C on transcript NM_001041.4 (MANE Select); coding-DNA position 556, T replaced by C.
Protein change: p.Ser186Pro; replaces serine 186 with proline.
Molecular consequence: missense variant.
Genome position (GRCh38, 1-based): chr3:165,067,419, A>G on the plus strand (T>C on the coding strand, the complement: SI is on the minus strand). VCF-style: chr3-165067419-A-G. GRCh37 (hg19) VCF-style: chr3-164785207-A-G.
Other names: p.Ser186Pro; short protein forms S186P.
Identifiers: ClinVar variation 344071 (VCV000344071.14), dbSNP rs142447888, ClinGen allele CA2691446.

ClinVar aggregate classification (germline): Conflicting classifications of pathogenicity. Review status: criteria provided, conflicting classifications (1 of 4 stars). 3 submissions from 3 submitters: Uncertain significance (2); Likely benign (1). Last evaluated 2026-01-18.

Conditions:
Sucrase-isomaltase deficiency (CSID). Also called: SI DEFICIENCY; Deficiency of isomaltase; Congenital sucrose isomaltose malabsorption; Sucrose isomaltose enzyme deficiency. Identifiers: Orphanet 35122, MedGen C1283620, MONDO:0009114, OMIM 222900.

Allele frequency attached by ClinVar (database versions not stated): gnomAD 0.00019; ESP Exome Variant Server 0.00023; gnomAD exomes 0.00028; 1000 Genomes Project 30x 0.00031; TOPMed 0.00032; 1000 Genomes Project 0.00040.

Submissions (3):

Labcorp Genetics (formerly Invitae), Labcorp
Classification: Likely benign. Last evaluated: 2026-01-18. Review status: criteria provided, single submitter. Criteria: Invitae Variant Classification Sherloc (09022015). Collection method: clinical testing. Allele origin: germline.

Mayo Clinic Laboratories, Mayo Clinic
Classification: Uncertain significance. Last evaluated: 2025-03-03. Review status: criteria provided, single submitter. Criteria: ACMG Guidelines, 2015. Collection method: clinical testing. Allele origin: germline. Observed: 1 variant allele.
Comment: BP4_moderate

Illumina Laboratory Services, Illumina
Classification: Uncertain significance for Sucrase-isomaltase deficiency. Last evaluated: 2018-01-13. Review status: criteria provided, single submitter. Criteria: ICSL Variant Classification Criteria 13 December 2019. Collection method: clinical testing. Allele origin: germline.

Literature cited by the submitters: PubMed 32732636 (cited by Mayo Clinic Laboratories, Mayo Clinic).